The following is an entry in ClinVar:

NM_006648.4(WNK2):c.3373C>G (p.Gln1125Glu)

Gene: WNK2 (WNK lysine deficient protein kinase 2; plus strand). Cytogenetic location: 9q22.31.
Variant type: single nucleotide variant.
Coding change: c.3373C>G on transcript NM_006648.4 (MANE Select); coding-DNA position 3373, C replaced by G.
Protein change: p.Gln1125Glu; replaces glutamine 1125 with glutamic acid.
Molecular consequence: missense variant.
Genome position (GRCh38, 1-based): chr9:93,262,682, C>G. VCF-style: chr9-93262682-C-G. GRCh37 (hg19) VCF-style: chr9-96024964-C-G.
Other names: c.3373C>G, p.Gln1125Glu (NM_001282394.3); short protein forms Q1125E.
Identifiers: ClinVar variation 3817149 (VCV003817149.1).

ClinVar aggregate classification (germline): Uncertain significance (1 of 4 stars; one submission).

gnomAD v4.1: 3 of 1,612,640 alleles (0.00019%); highest among the groups gnomAD compares: South Asian, 0.0011%; no homozygotes.

Submission:

Ambry Genetics
Classification: Uncertain significance. Last evaluated: 2025-02-24. Review status: criteria provided, single submitter. Criteria: Ambry Variant Classification Scheme 2023. Collection method: clinical testing. Allele origin: germline.
Comment: The p.Q1125E variant (also known as c.3373C>G), located in coding exon 13 of the WNK2 gene, results from a C to G substitution at nucleotide position 3373. The glutamine at codon 1125 is replaced by glutamic acid, an amino acid with highly similar properties. This amino acid position is conserved. In addition, this alteration is predicted to be tolerated by in silico analysis. Based on the available evidence, the clinical significance of this variant remains unclear.